The following is an entry in ClinVar:

ClinVar aggregate classification (germline): Uncertain significance (1 of 4 stars; one submission).

Conditions:
Nemaline myopathy 2 (NEM2). Also called: Nemaline myopathy 2, autosomal recessive. Identifiers: MedGen C1850569, MONDO:0009725, OMIM 256030.

Submission:

Labcorp Genetics (formerly Invitae), Labcorp
Classification: Uncertain significance for Nemaline myopathy 2. Last evaluated: 2022-08-20. Review status: criteria provided, single submitter. Criteria: Invitae Variant Classification Sherloc (09022015). Collection method: clinical testing. Allele origin: germline.
Comment: This sequence change replaces asparagine, which is neutral and polar, with threonine, which is neutral and polar, at codon 7546 of the NEB protein (p.Asn7546Thr). This variant is not present in population databases (gnomAD no frequency). This variant has not been reported in the literature in individuals affected with NEB-related conditions. Algorithms developed to predict the effect of missense changes on protein structure and function are either unavailable or do not agree on the potential impact of this missense change (SIFT: "Deleterious"; PolyPhen-2: "Not Available"; Align-GVGD: "Class C0"). In summary, the available evidence is currently insufficient to determine the role of this variant in disease. Therefore, it has been classified as a Variant of Uncertain Significance.

NM_001164508.2(NEB):c.22532A>C (p.Asn7511Thr)

Genes: NEB (nebulin; minus strand), RIF1 (replication timing regulatory factor 1; plus strand). Cytogenetic location: 2q23.3.
Variant type: single nucleotide variant.
Coding change: c.22532A>C on transcript NM_001164508.2 (MANE Select); coding-DNA position 22532, A replaced by C.
Protein change: p.Asn7511Thr; replaces asparagine 7511 with threonine.
Molecular consequence: missense variant.
Genome position (GRCh38, 1-based): chr2:151,519,716, T>G on the plus strand (A>C on the coding strand, the complement: NEB is on the minus strand). VCF-style: chr2-151519716-T-G. GRCh37 (hg19) VCF-style: chr2-152376230-T-G.
Other names: c.22532A>C, p.Asn7511Thr (NM_001164507.2); c.22637A>C, p.Asn7546Thr (NM_001271208.2); c.17429A>C, p.Asn5810Thr (NM_004543.5); short protein forms N5810T, N7511T, N7546T.
Identifiers: ClinVar variation 2172694 (VCV002172694.1), dbSNP rs930915479, ClinGen allele CA348761893.